The following is an entry in ClinVar:

ClinVar aggregate classification (germline): Pathogenic (1 of 4 stars; one submission).

Conditions:
Alstrom syndrome (ALMS). Identifiers: Orphanet 64, MedGen C0268425, MONDO:0008763, OMIM 203800.

Submission:

Labcorp Genetics (formerly Invitae), Labcorp
Classification: Pathogenic for Alstrom syndrome. Last evaluated: 2023-04-18. Review status: criteria provided, single submitter. Criteria: Invitae Variant Classification Sherloc (09022015). Collection method: clinical testing. Allele origin: germline.
Comment: For these reasons, this variant has been classified as Pathogenic. This variant has not been reported in the literature in individuals affected with ALMS1-related conditions. This variant is present in population databases (no rsID available, gnomAD 0.003%). This sequence change creates a premature translational stop signal (p.Arg2231Serfs*5) in the ALMS1 gene. It is expected to result in an absent or disrupted protein product. Loss-of-function variants in ALMS1 are known to be pathogenic (PMID: 17594715).

Literature cited by the submitters: PubMed 17594715.

NM_001378454.1(ALMS1):c.6690_6691del (p.Arg2230fs)

Gene: ALMS1 (ALMS1 centrosome and basal body associated protein; plus strand). Cytogenetic location: 2p13.1.
Variant type: Microsatellite.
Coding change: c.6690_6691del on transcript NM_001378454.1 (MANE Select); coding-DNA positions 6690 to 6691, 2 bases deleted (AG; older notation c.6690_6691delAG).
Protein change: p.Arg2230fs; shifts the reading frame from arginine 2230.
Molecular consequence: frameshift variant.
Genome position (GRCh38, 1-based): chr2:73,453,217-73,453,218, AG deleted; deleting any 2 consecutive bases within chr2:73,453,215-73,453,218 gives the same sequence; the c. name uses the placement nearest the transcript's 3' end. VCF-style (leftmost placement, unchanged base first): chr2-73453214-CAG-C. GRCh37 (hg19) VCF-style: chr2-73680341-CAG-C.
Other names: c.6693_6694del, p.Arg2231fs (NM_015120.4); short protein forms R2230fs, R2231fs.
Identifiers: ClinVar variation 2857334 (VCV002857334.3), dbSNP rs1412045635, ClinGen allele CA534125683.
Genomic context (GRCh38, chr2:73,453,214, plus strand): 5'-GAATTCTTCTGACTCCAGTGTTAGCTCAAATAATGTGCTTTTAAATTCTCAGGCTGATGA[CAG>C]AGTTGTAATAAATAAACCAGAATCTGCAGGTTTTAGAGATGTTGGCTCTGAAGAAATCCA-3'